The following is an entry in ClinVar:

NM_178470.5(DCAF12L1):c.795G>T (p.Val265=)

Gene: DCAF12L1 (DDB1 and CUL4 associated factor 12 like 1; minus strand). Cytogenetic location: Xq25.
Variant type: single nucleotide variant.
Coding change: c.795G>T on transcript NM_178470.5 (MANE Select); coding-DNA position 795, G replaced by T.
Protein change: p.Val265=; no amino-acid change (valine 265 retained).
Molecular consequence: synonymous variant.
Genome position (GRCh38, 1-based): chrX:126,551,814, C>A on the plus strand (G>T on the coding strand, the complement: DCAF12L1 is on the minus strand). VCF-style: chrX-126551814-C-A. GRCh37 (hg19) VCF-style: chrX-125685797-C-A.
Identifiers: ClinVar variation 2661382 (VCV002661382.24), dbSNP rs1191677607, ClinGen allele CA518845087.

ClinVar aggregate classification (germline): Likely benign (1 of 4 stars; one submission).

gnomAD v4.1: 6 of 1,212,263 alleles (0.00049%); highest among the groups gnomAD compares: African/African-American, 0.0086%; no homozygotes.

Submission:

CeGaT Center for Human Genetics Tuebingen
Classification: Likely benign. Last evaluated: 2022-07-01. Review status: criteria provided, single submitter. Criteria: CeGaT Center For Human Genetics Tuebingen Variant Classification Criteria Version 2. Collection method: clinical testing. Allele origin: germline. Affected: yes. Observed: 1 variant allele.
Comment: DCAF12L1: BP4, BP7